The following is an entry in ClinVar:

NM_000092.5(COL4A4):c.4656G>A (p.Met1552Ile)

Gene: COL4A4 (collagen type IV alpha 4 chain; minus strand). Cytogenetic location: 2q36.3.
Variant type: single nucleotide variant.
Coding change: c.4656G>A on transcript NM_000092.5 (MANE Select); coding-DNA position 4656, G replaced by A.
Protein change: p.Met1552Ile; replaces methionine 1552 with isoleucine.
Molecular consequence: missense variant.
Genome position (GRCh38, 1-based): chr2:227,008,171, C>T on the plus strand (G>A on the coding strand, the complement: COL4A4 is on the minus strand). VCF-style: chr2-227008171-C-T. GRCh37 (hg19) VCF-style: chr2-227872887-C-T.
Other names: short protein forms M1552I.
Identifiers: ClinVar variation 334703 (VCV000334703.34), dbSNP rs77104306, ClinGen allele CA2144104.
Genomic context (GRCh38, chr2:227,008,171, plus strand): 5'-CGGGGCCTCGCATACCGCACAGCGGCTGACATAGGGGCGGATCGCCTCTTCAGAGAGTGG[C>T]ATCATGGGGAGGGGCGCAGCGCTGGCCAGCCAGTAGGATCTGTCGTTTCTCTGGGCATAG-3'
Protein context (NP_000083.3, residues 1542-1562): WLASAAPLPM[Met1552Ile]PLSEEAIRPY

ClinVar aggregate classification (germline): Benign. Review status: criteria provided, multiple submitters, no conflicts (2 of 4 stars). 10 submissions from 10 submitters: Benign (9). 1 of the submissions does not count toward it. Last evaluated 2026-08-01.

Conditions:
Alport syndrome. Also called: Hemorrhagic familial nephritis; Hemorrhagic hereditary nephritis; Congenital hereditary hematuria. Identifiers: Orphanet 63, MedGen C1567741, MONDO:0018965.
Focal segmental glomerulosclerosis (FSGS). Also called: Glomerulosclerosis, focal; Focal sclerosis with hyalinosis. Identifiers: MedGen C0017668, MONDO:0100313, HP:0000097. Disease mechanism: loss of function.

Allele frequency attached by ClinVar (database versions not stated): gnomAD exomes 0.00319 and 0.00134; ExAC 0.00397; ESP Exome Variant Server 0.01237; gnomAD 0.01253 and 0.01346; TOPMed 0.01413; 1000 Genomes Project 0.01597; 1000 Genomes Project 30x 0.01702.

Submissions (10):

CeGaT Center for Human Genetics Tuebingen
Classification: Benign. Last evaluated: 2026-08-01. Review status: criteria provided, single submitter. Criteria: CeGaT Center For Human Genetics Tuebingen Variant Classification Criteria Version 2. Collection method: clinical testing. Allele origin: germline. Affected: yes. Observed: 3 variant alleles.
Comment: COL4A4: BP4, BS1, BS2

Labcorp Genetics (formerly Invitae), Labcorp
Classification: Benign. Last evaluated: 2026-02-01. Review status: criteria provided, single submitter. Criteria: Invitae Variant Classification Sherloc (09022015). Collection method: clinical testing. Allele origin: germline.

Mayo Clinic Laboratories, Mayo Clinic
Classification: Benign. Last evaluated: 2023-04-03. Review status: criteria provided, single submitter. Criteria: ACMG Guidelines, 2015. Collection method: clinical testing. Allele origin: germline. Observed: 6 variant alleles.
Comment: BS1, BS2

Genome Diagnostics Laboratory, The Hospital for Sick Children
Classification: Benign for Focal segmental glomerulosclerosis. Last evaluated: 2022-08-16. Review status: criteria provided, single submitter. Criteria: ACMG Guidelines, 2015. Collection method: clinical testing. Allele origin: germline.

GeneDx
Classification: Benign. Last evaluated: 2018-04-26. Review status: criteria provided, single submitter. Criteria: GeneDx Variant Classification (06012015). Collection method: clinical testing. Allele origin: germline. Affected: yes.
Comment: This variant is considered likely benign or benign based on one or more of the following criteria: it is a conservative change, it occurs at a poorly conserved position in the protein, it is predicted to be benign by multiple in silico algorithms, and/or has population frequency not consistent with disease.

Illumina Laboratory Services, Illumina
Classification: Benign for Alport syndrome. Last evaluated: 2018-01-13. Review status: criteria provided, single submitter. Criteria: ICSL Variant Classification Criteria 13 December 2019. Collection method: clinical testing. Allele origin: germline.
Comment: This variant was observed in the ICSL laboratory as part of a predisposition screen in an ostensibly healthy population. It had not been previously curated by ICSL or reported in the Human Gene Mutation Database (HGMD: prior to June 1st, 2018), and was therefore a candidate for classification through an automated scoring system. Utilizing variant allele frequency, disease prevalence and penetrance estimates, and inheritance mode, an automated score was calculated to assess if this variant is too frequent to cause the disease. Based on the score and internal cut-off values, a variant classified as benign is not then subjected to further curation. The score for this variant resulted in a classification of benign for this disease.

Athena Diagnostics
Classification: Benign. Last evaluated: 2017-05-05. Review status: criteria provided, single submitter. Criteria: Athena Diagnostics Criteria. Collection method: clinical testing. Allele origin: germline.

Laboratory for Molecular Medicine, Mass General Brigham Personalized Medicine
Classification: Benign. Last evaluated: 2016-03-21. Review status: criteria provided, single submitter. Criteria: LMM Criteria. Collection method: clinical testing. Allele origin: germline. Observed: 4 variant alleles.
Comment: p.Met1552Ile in exon 47 of COL4A4: This variant is not expected to have clinical significance because it has been identified in 4.72% (458/9710) of African chro mosomes by the Exome Aggregation Consortium (ExAC, g; dbSNP rs77104306).

Breakthrough Genomics
Classification: Benign. Review status: criteria provided, single submitter. Criteria: ACMG Guidelines, 2015. Collection method: not provided. Allele origin: germline. Inheritance: Autosomal recessive inheritance. Affected: yes.

Natera, Inc.
Classification: Likely benign for Alport syndrome. Last evaluated: 2019-12-03. Review status: no assertion criteria provided. Collection method: clinical testing. Allele origin: germline. Not counted in ClinVar's aggregate classification.